The following is an entry in ClinVar:

ClinVar aggregate classification (germline): Uncertain significance (1 of 4 stars; one submission).

Conditions:
Bethlem myopathy 1A. Also called: Bethlem myopathy 1; MYOPATHY, BENIGN CONGENITAL, WITH CONTRACTURES; Bethlem Muscular Dystrophy. Identifiers: Orphanet 610, MedGen CN029274, MONDO:0024530, OMIM 158810.

Submission:

Labcorp Genetics (formerly Invitae), Labcorp
Classification: Uncertain significance for Bethlem myopathy 1A. Last evaluated: 2024-10-03. Review status: criteria provided, single submitter. Criteria: Invitae Variant Classification Sherloc (09022015). Collection method: clinical testing. Allele origin: germline.
Comment: This sequence change replaces leucine, which is neutral and non-polar, with phenylalanine, which is neutral and non-polar, at codon 481 of the COL6A3 protein (p.Leu481Phe). This variant is not present in population databases (gnomAD no frequency). This variant has not been reported in the literature in individuals affected with COL6A3-related conditions. Invitae Evidence Modeling of protein sequence and biophysical properties (such as structural, functional, and spatial information, amino acid conservation, physicochemical variation, residue mobility, and thermodynamic stability) indicates that this missense variant is not expected to disrupt COL6A3 protein function with a negative predictive value of 95%. In summary, the available evidence is currently insufficient to determine the role of this variant in disease. Therefore, it has been classified as a Variant of Uncertain Significance.

NM_004369.4(COL6A3):c.1441C>T (p.Leu481Phe)

Gene: COL6A3 (collagen type VI alpha 3 chain; minus strand). Cytogenetic location: 2q37.3.
Variant type: single nucleotide variant.
Coding change: c.1441C>T on transcript NM_004369.4 (MANE Select); coding-DNA position 1441, C replaced by T.
Protein change: p.Leu481Phe; replaces leucine 481 with phenylalanine.
Molecular consequence: missense variant.
Genome position (GRCh38, 1-based): chr2:237,381,371, G>A on the plus strand (C>T on the coding strand, the complement: COL6A3 is on the minus strand). VCF-style: chr2-237381371-G-A. GRCh37 (hg19) VCF-style: chr2-238290014-G-A.
Other names: c.220C>T, p.Leu74Phe (NM_057164.5, NM_057166.5); c.823C>T, p.Leu275Phe (NM_057165.5, NM_057167.4); short protein forms L275F, L481F, L74F.
Identifiers: ClinVar variation 3634144 (VCV003634144.2).
Genomic context (GRCh38, chr2:237,381,371, plus strand): 5'-TATTGAAATAAAATTCAGGCCTCACAGTGTCTGCATACTGGGCCACTGCCACCTGGATAA[G>A]ATCCTGTCCGATTTCCAGCCTCTGGATGACTTTAGCAATGAAGTCTCGGATGGCATTGAA-3'
Protein context (NP_004360.2, residues 471-491): VIQRLEIGQD[Leu481Phe]IQVAVAQYAD